The following is an entry in ClinVar:

ClinVar aggregate classification (germline): Benign. Review status: criteria provided, multiple submitters, no conflicts (2 of 4 stars). 2 submissions from 2 submitters: Benign (2). Last evaluated 2026-01-26.

Conditions:
Dyskeratosis congenita, autosomal dominant 2. Identifiers: MedGen C3151443, MONDO:0013521, OMIM 613989.
Idiopathic Pulmonary Fibrosis. Also called: Idiopathic fibrosing alveolitis, chronic form; idiopathic fibrosing alveolitis. Identifiers: Orphanet 2032, MedGen C1800706, MeSH D054990, MONDO:0800504.

Allele frequency attached by ClinVar (database versions not stated): 1000 Genomes Project 30x 0.15834; 1000 Genomes Project 0.16573; gnomAD 0.17562 and 0.17545; TOPMed 0.16886.
gnomAD v4.1: 26,800 of 152,150 alleles (18%); highest among the groups gnomAD compares: Non-Finnish European, 20%; 2,398 homozygotes.

Submissions (2):

Labcorp Genetics (formerly Invitae), Labcorp
Classification: Benign for Dyskeratosis congenita, autosomal dominant 2; Idiopathic Pulmonary Fibrosis. Last evaluated: 2026-01-26. Review status: criteria provided, single submitter. Criteria: Invitae Variant Classification Sherloc (09022015). Collection method: clinical testing. Allele origin: germline.

GeneDx
Classification: Benign. Last evaluated: 2018-10-24. Review status: criteria provided, single submitter. Criteria: GeneDx Variant Classification Process June 2021. Collection method: clinical testing. Allele origin: germline. Affected: yes.
Comment: This variant is associated with the following publications: (PMID: 23535731)

NM_198253.3(TERT):c.1950+245C>T

Gene: TERT (telomerase reverse transcriptase; minus strand). Cytogenetic location: 5p15.33.
Variant type: single nucleotide variant.
Coding change: c.1950+245C>T on transcript NM_198253.3 (MANE Select); 245 bases into the intron after coding-DNA position 1950, C replaced by T.
Molecular consequence: intron variant.
Genome position (GRCh38, 1-based): chr5:1,279,913, G>A on the plus strand (C>T on the coding strand, the complement: TERT is on the minus strand). VCF-style: chr5-1279913-G-A. GRCh37 (hg19) VCF-style: chr5-1280028-G-A.
Other names: c.1950+245C>T (NM_001193376.3).
Identifiers: ClinVar variation 539266 (VCV000539266.14), dbSNP rs2242652, ClinGen allele CA11993113.